The following is an entry in ClinVar:

ClinVar aggregate classification (germline): Uncertain significance (1 of 4 stars; one submission).

Conditions:
Primary ciliary dyskinesia 6. Also called: Primary Ciliary Dyskinesia 6: TXNDC3-Related Primary Ciliary Dyskinesia. Identifiers: Orphanet 244, MedGen C1970506, MONDO:0012571, OMIM 610852.

gnomAD v4.1: 4 of 1,613,184 alleles (0.00025%); highest among the groups gnomAD compares: South Asian, 0.0011%; no homozygotes.

Submission:

Labcorp Genetics (formerly Invitae), Labcorp
Classification: Uncertain significance for Primary ciliary dyskinesia 6. Last evaluated: 2022-12-22. Review status: criteria provided, single submitter. Criteria: Invitae Variant Classification Sherloc (09022015). Collection method: clinical testing. Allele origin: germline.
Comment: Advanced modeling of protein sequence and biophysical properties (such as structural, functional, and spatial information, amino acid conservation, physicochemical variation, residue mobility, and thermodynamic stability) performed at Invitae indicates that this missense variant is expected to disrupt NME8 protein function. In summary, the available evidence is currently insufficient to determine the role of this variant in disease. Therefore, it has been classified as a Variant of Uncertain Significance. This variant has not been reported in the literature in individuals affected with NME8-related conditions. This variant is present in population databases (no rsID available, gnomAD 0.003%). This sequence change replaces cysteine, which is neutral and slightly polar, with phenylalanine, which is neutral and non-polar, at codon 42 of the NME8 protein (p.Cys42Phe).

NM_016616.5(NME8):c.125G>T (p.Cys42Phe)

Gene: NME8 (NME/NM23 family member 8; plus strand). Cytogenetic location: 7p14.1.
Variant type: single nucleotide variant.
Coding change: c.125G>T on transcript NM_016616.5 (MANE Select); coding-DNA position 125, G replaced by T.
Protein change: p.Cys42Phe; replaces cysteine 42 with phenylalanine.
Molecular consequence: missense variant.
Genome position (GRCh38, 1-based): chr7:37,850,662, G>T. VCF-style: chr7-37850662-G-T. GRCh37 (hg19) VCF-style: chr7-37890264-G-T.
Other names: short protein forms C42F.
Identifiers: ClinVar variation 2968511 (VCV002968511.3), dbSNP rs1327566528, ClinGen allele CA367219395.